The following is an entry in ClinVar:

ClinVar aggregate classification (germline): Uncertain significance (1 of 4 stars; one submission).

Conditions:
Spondyloepimetaphyseal dysplasia, PAPSS2 type. Also called: SEMD, PAKISTANI TYPE; BRACHYOLMIA TYPE 4 WITH MILD EPIPHYSEAL AND METAPHYSEAL CHANGES; SPONDYLODYSPLASIA AND PREMATURE PUBARCHE. Identifiers: Orphanet 93282, MedGen C2748516, MONDO:0019666, OMIM 612847.

Submission:

Labcorp Genetics (formerly Invitae), Labcorp
Classification: Uncertain significance for Spondyloepimetaphyseal dysplasia, pakistani type. Last evaluated: 2019-02-13. Review status: criteria provided, single submitter. Criteria: Invitae Variant Classification Sherloc (09022015). Collection method: clinical testing. Allele origin: germline.
Comment: This sequence change replaces valine with leucine at codon 550 of the PAPSS2 protein (p.Val550Leu). The valine residue is moderately conserved and there is a small physicochemical difference between valine and leucine. This variant is not present in population databases (ExAC no frequency). This variant has not been reported in the literature in individuals with PAPSS2-related conditions. Algorithms developed to predict the effect of missense changes on protein structure and function (SIFT, PolyPhen-2, Align-GVGD) all suggest that this variant is likely to be tolerated, but these predictions have not been confirmed by published functional studies and their clinical significance is uncertain. In summary, the available evidence is currently insufficient to determine the role of this variant in disease. Therefore, it has been classified as a Variant of Uncertain Significance.

NM_001015880.2(PAPSS2):c.1648G>C (p.Val550Leu)

Gene: PAPSS2 (3'-phosphoadenosine 5'-phosphosulfate synthase 2; plus strand). Cytogenetic location: 10q23.31.
Variant type: single nucleotide variant.
Coding change: c.1648G>C on transcript NM_001015880.2 (MANE Select); coding-DNA position 1648, G replaced by C.
Protein change: p.Val550Leu; replaces valine 550 with leucine.
Molecular consequence: missense variant.
Genome position (GRCh38, 1-based): chr10:87,745,158, G>C. VCF-style: chr10-87745158-G-C. GRCh37 (hg19) VCF-style: chr10-89504915-G-C.
Other names: c.1633G>C, p.Val545Leu (NM_004670.4); short protein forms V545L, V550L.
Identifiers: ClinVar variation 863873 (VCV000863873.1), dbSNP rs754748727, ClinGen allele CA377483963.